The following is an entry in ClinVar:

NM_053025.4(MYLK):c.1400C>G (p.Ala467Gly)

Gene: MYLK (myosin light chain kinase; minus strand). Cytogenetic location: 3q21.1.
Variant type: single nucleotide variant.
Coding change: c.1400C>G on transcript NM_053025.4 (MANE Select); coding-DNA position 1400, C replaced by G.
Protein change: p.Ala467Gly; replaces alanine 467 with glycine.
Molecular consequence: missense variant. On other transcripts: intron variant (2).
Genome position (GRCh38, 1-based): chr3:123,733,012, G>C on the plus strand (C>G on the coding strand, the complement: MYLK is on the minus strand). VCF-style: chr3-123733012-G-C. GRCh37 (hg19) VCF-style: chr3-123451859-G-C.
Other names: c.872C>G, p.Ala291Gly (NM_001321309.2); c.1400C>G, p.Ala467Gly (NM_053027.4); c.1309+675C>G (NM_053028.4, NM_053026.4); short protein forms A467G, A291G.
Identifiers: ClinVar variation 241751 (VCV000241751.8), dbSNP rs878855175, ClinGen allele CA10582126.

ClinVar aggregate classification (germline): Uncertain significance (1 of 4 stars; one submission).

Conditions:
Aortic aneurysm, familial thoracic 7 (AAT7). Also called: AORTIC DISSECTION, FAMILIAL, WITH OR WITHOUT AORTIC ANEURYSM. Identifiers: MedGen C3151077, MONDO:0013418, OMIM 613780.

Allele frequency attached by ClinVar (database versions not stated): gnomAD exomes below 0.00001.
gnomAD v4.1: 13 of 1,614,192 alleles (0.00081%); highest among the groups gnomAD compares: East Asian, 0.0045%; no homozygotes.

Submission:

Labcorp Genetics (formerly Invitae), Labcorp
Classification: Uncertain significance for Aortic aneurysm, familial thoracic 7. Last evaluated: 2016-02-15. Review status: criteria provided, single submitter. Criteria: Invitae Variant Classification Sherloc (09022015). Collection method: clinical testing. Allele origin: germline.
Comment: This sequence change replaces alanine with glycine at codon 467 of the MYLK protein (p.Ala467Gly). The alanine residue is weakly conserved and there is a small physicochemical difference between alanine and glycine. This variant is not present in population databases (ExAC no frequency) and has not been reported in the literature in individuals with a MYLK-related disease. Algorithms developed to predict the effect of missense changes on protein structure and function do not agree on the potential impact of this missense change (SIFT: "Tolerated"; PolyPhen-2: "Possibly Damaging"; Align-GVGD: "Class C0"). However, the glycine amino acid residue is found in multiple mammalian species, suggesting that this missense change does not adversely affect protein function. In summary, this is a novel missense change with uncertain impact on protein function. It has been classified as a Variant of Uncertain Significance.